The following is an entry in ClinVar:

ClinVar aggregate classification (germline): Conflicting classifications of pathogenicity. Review status: criteria provided, conflicting classifications (1 of 4 stars). 2 submissions from 2 submitters: Uncertain significance (1); Likely benign (1). Last evaluated 2025-04-10.

Conditions:
Congenital myopathy with internal nuclei and atypical cores. Also called: Myopathy, centronuclear, 4. Identifiers: Orphanet 319160, MedGen C4707232, MONDO:0013890, OMIM 614807.
Inborn genetic diseases. Identifiers: MedGen C0950123, MeSH D030342.

gnomAD v4.1: 11 of 1,607,718 alleles (0.00068%); highest among the groups gnomAD compares: Non-Finnish European, 0.00093%; no homozygotes.

Submissions (2):

Ambry Genetics
Classification: Likely benign for Inborn genetic diseases. Last evaluated: 2025-04-10. Review status: criteria provided, single submitter. Criteria: Ambry Variant Classification Scheme 2023. Collection method: clinical testing. Allele origin: germline.

Labcorp Genetics (formerly Invitae), Labcorp
Classification: Uncertain significance for Congenital myopathy with internal nuclei and atypical cores. Last evaluated: 2024-04-25. Review status: criteria provided, single submitter. Criteria: Invitae Variant Classification Sherloc (09022015). Collection method: clinical testing. Allele origin: germline.
Comment: This sequence change replaces histidine, which is basic and polar, with glutamine, which is neutral and polar, at codon 159 of the CCDC78 protein (p.His159Gln). This variant is not present in population databases (gnomAD no frequency). This variant has not been reported in the literature in individuals affected with CCDC78-related conditions. ClinVar contains an entry for this variant (Variation ID: 2073227). Advanced modeling of protein sequence and biophysical properties (such as structural, functional, and spatial information, amino acid conservation, physicochemical variation, residue mobility, and thermodynamic stability) performed at Invitae indicates that this missense variant is not expected to disrupt CCDC78 protein function with a negative predictive value of 80%. In summary, the available evidence is currently insufficient to determine the role of this variant in disease. Therefore, it has been classified as a Variant of Uncertain Significance.

NM_001378030.1(CCDC78):c.477C>G (p.His159Gln)

Gene: CCDC78 (coiled-coil domain containing 78; minus strand). Cytogenetic location: 16p13.3.
Variant type: single nucleotide variant.
Coding change: c.477C>G on transcript NM_001378030.1 (MANE Select); coding-DNA position 477, C replaced by G.
Protein change: p.His159Gln; replaces histidine 159 with glutamine.
Molecular consequence: missense variant. On other transcripts: non-coding transcript variant (5).
Genome position (GRCh38, 1-based): chr16:725,252, G>C on the plus strand (C>G on the coding strand, the complement: CCDC78 is on the minus strand). VCF-style: chr16-725252-G-C. GRCh37 (hg19) VCF-style: chr16-775252-G-C.
Other names: c.477C>G (NM_001031737.2); c.477C>G, p.His159Gln (NM_001031737.3, NM_001378031.1); c.24C>G, p.His8Gln (NM_001378033.1); short protein forms H159Q, H8Q.
Identifiers: ClinVar variation 2073227 (VCV002073227.5), dbSNP rs776425669, ClinGen allele CA394103103.